The following is an entry in ClinVar:

NC_000023.10:g.(?_32366503)_(32366665_?)dup

Gene: DMD (dystrophin; minus strand). Cytogenetic location: Xp21.1.
Variant type: Duplication.
Identifiers: ClinVar variation 2424944 (VCV002424944.5).

ClinVar aggregate classification (germline): Uncertain significance (1 of 4 stars; one submission).

Conditions:
Duchenne muscular dystrophy (DMD). Also called: Duchenne Muscular Dystrophy (DMD); MUSCULAR DYSTROPHY, PSEUDOHYPERTROPHIC PROGRESSIVE, DUCHENNE TYPE. Identifiers: Orphanet 98896, MedGen C0013264, MONDO:0010679, OMIM 310200.

Submission:

Labcorp Genetics (formerly Invitae), Labcorp
Classification: Uncertain significance for Duchenne muscular dystrophy. Last evaluated: 2022-04-30. Review status: criteria provided, single submitter. Criteria: Invitae Variant Classification Sherloc (09022015). Collection method: clinical testing. Allele origin: germline.
Comment: In summary, the available evidence is currently insufficient to determine the role of this variant in disease. Therefore, it has been classified as a Variant of Uncertain Significance. Experimental studies and prediction algorithms are not available or were not evaluated, and the functional significance of this variant is currently unknown. A similar copy number variant has been observed in individual(s) with Becker muscular dystrophy (PMID: 17253928). This variant results in a copy number gain of the genomic region encompassing exon(s) 38 of the DMD gene. While the exact position of this variant cannot be determined from the data, sub-genic copy number gains are generally in tandem (PMID: 25640679). This variant is predicted to be in-frame, and likely preserves the integrity of the reading frame.

Literature cited by the submitters: PubMed 17253928; PubMed 25640679.